The following is an entry in ClinVar:

NM_016011.5(MECR):c.147G>T (p.Gly49=)

Gene: MECR (mitochondrial trans-2-enoyl-CoA reductase; minus strand). Cytogenetic location: 1p35.3.
Variant type: single nucleotide variant.
Coding change: c.147G>T on transcript NM_016011.5 (MANE Select); coding-DNA position 147, G replaced by T.
Protein change: p.Gly49=; no amino-acid change (glycine 49 retained).
Molecular consequence: synonymous variant. On other transcripts: 5 prime UTR variant (5), missense variant (1), non-coding transcript variant (4).
Genome position (GRCh38, 1-based): chr1:29,230,760, C>A on the plus strand (G>T on the coding strand, the complement: MECR is on the minus strand). VCF-style: chr1-29230760-C-A. GRCh37 (hg19) VCF-style: chr1-29557272-C-A.
Other names: c.-209G>T (NM_001024732.4); c.-413G>T (NM_001349711.2); c.-414G>T (NM_001349712.2); c.-291G>T (NM_001349713.2); c.-203G>T (NM_001349714.2); c.147G>T, p.Gly49= (NM_001349715.2, NM_001349716.2); c.5G>T, p.Gly2Val (NM_001349717.2); c.5G>T (NM_001349717.1); short protein forms G2V.
Identifiers: ClinVar variation 2417582 (VCV002417582.9), dbSNP rs772421462, ClinGen allele CA725889.

ClinVar aggregate classification (germline): Likely benign. Review status: criteria provided, single submitter (1 of 4 stars). 2 submissions from 2 submitters: Likely benign (1). 1 of the submissions does not count toward it. Last evaluated 2024-02-09.

Conditions:
MECR-related disorder. Also called: MECR-related condition.

Allele frequency attached by ClinVar (database versions not stated): TOPMed 0.00003; gnomAD 0.00004; ExAC 0.00007.
gnomAD v4.1: 64 of 1,593,686 alleles (0.004%); highest among the groups gnomAD compares: Non-Finnish European, 0.0053%; no homozygotes.

Submissions (2):

Labcorp Genetics (formerly Invitae), Labcorp
Classification: Likely benign. Last evaluated: 2024-02-09. Review status: criteria provided, single submitter. Criteria: Invitae Variant Classification Sherloc (09022015). Collection method: clinical testing. Allele origin: germline.

PreventionGenetics, part of Exact Sciences
Classification: Likely benign for MECR-related condition. Last evaluated: 2019-11-20. Review status: no assertion criteria provided. Collection method: clinical testing. Allele origin: germline. Not counted in ClinVar's aggregate classification.
Comment: This variant is classified as likely benign based on ACMG/AMP sequence variant interpretation guidelines (Richards et al. 2015 PMID: 25741868, with internal and published modifications).